The following is an entry in ClinVar:

ClinVar aggregate classification (germline): Uncertain significance. Review status: criteria provided, multiple submitters, no conflicts (2 of 4 stars). 2 submissions from 2 submitters: Uncertain significance (2). Last evaluated 2023-10-18.

Conditions:
Catecholaminergic polymorphic ventricular tachycardia 1. Also called: VENTRICULAR TACHYCARDIA, STRESS-INDUCED POLYMORPHIC 1; VENTRICULAR TACHYCARDIA, CATECHOLAMINERGIC POLYMORPHIC, 1, WITH OR WITHOUT ATRIAL DYSFUNCTION AND/OR DILATED CARDIOMYOPATHY; RYR2-Related Catecholaminergic Polymorphic Ventricular Tachycardia. Identifiers: Orphanet 3286, MedGen C1631597, MONDO:0011484, OMIM 604772.

Submissions (2):

Labcorp Genetics (formerly Invitae), Labcorp
Classification: Uncertain significance for Catecholaminergic polymorphic ventricular tachycardia 1. Last evaluated: 2023-10-18. Review status: criteria provided, single submitter. Criteria: Invitae Variant Classification Sherloc (09022015). Collection method: clinical testing. Allele origin: germline.
Comment: This sequence change creates a premature translational stop signal (p.Gln2812*) in the RYR2 gene. It is expected to result in an absent or disrupted protein product. However, the current clinical and genetic evidence is not sufficient to establish whether loss-of-function variants in RYR2 cause disease. This variant is not present in population databases (gnomAD no frequency). This variant has not been reported in the literature in individuals affected with RYR2-related conditions. In summary, the available evidence is currently insufficient to determine the role of this variant in disease. Therefore, it has been classified as a Variant of Uncertain Significance.

GeneDx
Classification: Uncertain significance. Last evaluated: 2023-05-11. Review status: criteria provided, single submitter. Criteria: GeneDx Variant Classification Process June 2021. Collection method: clinical testing. Allele origin: germline. Affected: yes.
Comment: Not observed at significant frequency in large population cohorts (gnomAD); Nonsense variant predicted to result in protein truncation or nonsense mediated decay in a gene or region of a gene for which loss of function is not a well-established mechanism of disease; Has not been previously published as pathogenic or benign to our knowledge

NM_001035.3(RYR2):c.8434C>T (p.Gln2812Ter)

Gene: RYR2 (ryanodine receptor 2; plus strand). Cytogenetic location: 1q43.
Variant type: single nucleotide variant.
Coding change: c.8434C>T on transcript NM_001035.3 (MANE Select); coding-DNA position 8434, C replaced by T.
Protein change: p.Gln2812Ter; replaces glutamine 2812 with a stop codon.
Molecular consequence: nonsense.
Genome position (GRCh38, 1-based): chr1:237,660,945, C>T. VCF-style: chr1-237660945-C-T. GRCh37 (hg19) VCF-style: chr1-237824245-C-T.
Other names: c.8434C>T (NM_001035.2); short protein forms Q2812*.
Identifiers: ClinVar variation 2746959 (VCV002746959.4), dbSNP rs377285717, ClinGen allele CA345402020.